The following is an entry in ClinVar:

ClinVar aggregate classification (germline): Uncertain significance (1 of 4 stars; one submission).

Submission:

Labcorp Genetics (formerly Invitae), Labcorp
Classification: Uncertain significance. Last evaluated: 2025-04-27. Review status: criteria provided, single submitter. Criteria: Invitae Variant Classification Sherloc (09022015). Collection method: clinical testing. Allele origin: germline.
Comment: This sequence change creates a premature translational stop signal (p.Val53Alafs*4) in the DTHD1 gene. It is expected to result in an absent or disrupted protein product. However, the current clinical and genetic evidence is not sufficient to establish whether loss-of-function variants in DTHD1 cause disease. This variant is present in population databases (no rsID available, gnomAD 0.002%). This variant has not been reported in the literature in individuals affected with DTHD1-related conditions. In summary, the available evidence is currently insufficient to determine the role of this variant in disease. Therefore, it has been classified as a Variant of Uncertain Significance.

NM_001170700.3(DTHD1):c.1028_1031del (p.Val343fs)

Gene: DTHD1 (death domain containing 1; plus strand). Cytogenetic location: 4p14.
Variant type: Microsatellite.
Coding change: c.1028_1031del on transcript NM_001170700.3 (MANE Select); coding-DNA positions 1028 to 1031, 4 bases deleted (TTAG; older notation c.1028_1031delTTAG).
Protein change: p.Val343fs; shifts the reading frame from valine 343.
Molecular consequence: frameshift variant. On other transcripts: non-coding transcript variant (2).
Genome position (GRCh38, 1-based): chr4:36,290,513-36,290,516, TTAG deleted; deleting any 4 consecutive bases within chr4:36,290,507-36,290,516 gives the same sequence; the c. name uses the placement nearest the transcript's 3' end. VCF-style (leftmost placement, unchanged base first): chr4-36290506-GAGTT-G. GRCh37 (hg19) VCF-style: chr4-36292128-GAGTT-G.
Other names: c.158_161del, p.Val53fs (NM_001136536.5, NM_001378435.1); short protein forms V53fs, V343fs.
Identifiers: ClinVar variation 1425675 (VCV001425675.6), dbSNP rs1440209090, ClinGen allele CA551141795.